The following is an entry in ClinVar:

ClinVar aggregate classification (germline): Pathogenic (1 of 4 stars; one submission).

Submission:

Mayo Clinic Laboratories, Mayo Clinic
Classification: Pathogenic. Last evaluated: 2024-01-10. Review status: criteria provided, single submitter. Criteria: ACMG Guidelines, 2015. Collection method: clinical testing. Allele origin: germline. Observed: 1 variant allele.
Comment: PP4, PM2, PVS1

Literature cited by the submitters: PubMed 21548021.

NM_152594.3(SPRED1):c.468_469insGA (p.Phe157fs)

Gene: SPRED1 (sprouty related EVH1 domain containing 1; plus strand). Cytogenetic location: 15q14.
Variant type: Insertion.
Coding change: c.468_469insGA on transcript NM_152594.3 (MANE Select); coding-DNA positions 468 to 469, GA inserted.
Protein change: p.Phe157fs; shifts the reading frame from phenylalanine 157.
Molecular consequence: frameshift variant.
Genome position: GRCh38 VCF-style: chr15-38339781-T-TGA. GRCh37 (hg19) VCF-style: chr15-38631982-T-TGA.
Other names: p.Phe157Aspfs*18; short protein forms F157fs.
Identifiers: ClinVar variation 3381124 (VCV003381124.1).